The following is an entry in ClinVar:

NM_000020.3(ACVRL1):c.625+1G>A

Gene: ACVRL1 (activin A receptor like type 1; plus strand). Cytogenetic location: 12q13.13.
Variant type: single nucleotide variant.
Coding change: c.625+1G>A on transcript NM_000020.3 (MANE Select); the canonical splice donor site of the intron after coding-DNA position 625, G replaced by A.
Molecular consequence: splice donor variant. On other transcripts: intron variant (6).
Genome position (GRCh38, 1-based): chr12:51,914,074, G>A. VCF-style: chr12-51914074-G-A. GRCh37 (hg19) VCF-style: chr12-52307858-G-A.
Other names: c.625+1G>A (NM_001406487.1, NM_001406488.1, NM_001077401.2 and 1 more transcripts); c.314-365G>A (NM_001406491.1, NM_001406490.1, NM_001406492.1 and 2 more transcripts); c.62-365G>A (NM_001406495.1).
Identifiers: ClinVar variation 1803109 (VCV001803109.7), dbSNP rs1940767034, ClinGen allele CA384899932.
Genomic context (GRCh38, chr12:51,914,074, plus strand): 5'-GGCTCCCCTTCCTGGTGCAGAGGACAGTGGCACGGCAGGTTGCCTTGGTGGAGTGTGTGG[G>A]TGAGCAGTGGGTGAGCCCGGTGGATGAGGACCAAGGGCTCTCATGAGCCTGGAGGGGTGA-3'

ClinVar aggregate classification (germline): Pathogenic/Likely pathogenic. Review status: criteria provided, multiple submitters, no conflicts (2 of 4 stars). 4 submissions from 4 submitters: Pathogenic (2); Likely pathogenic (2). Last evaluated 2025-11-05.

Conditions:
ACVRL1-related disorder. Also called: ACVRL1-related condition; ACVRL1-related disorders.
Telangiectasia, hereditary hemorrhagic, type 2 (HHT2). Also called: ACVRL1-Related Hereditary Hemorrhagic Telangiectasia; Telangiectasia, hereditary hemorrhagic, type II. Identifiers: Orphanet 774, MedGen C1838163, MONDO:0010880, OMIM 600376. Disease mechanism: loss of function.
Cardiovascular phenotype. Identifiers: MedGen CN230736.

Submissions (4):

Labcorp Genetics (formerly Invitae), Labcorp
Classification: Pathogenic for Telangiectasia, hereditary hemorrhagic, type 2. Last evaluated: 2025-11-05. Review status: criteria provided, single submitter. Criteria: Invitae Variant Classification Sherloc (09022015). Collection method: clinical testing. Allele origin: germline.
Comment: This sequence change affects a donor splice site in intron 5 of the ACVRL1 gene. It is expected to disrupt RNA splicing. Variants that disrupt the donor or acceptor splice site typically lead to a loss of protein function (PMID: 16199547), and loss-of-function variants in ACVRL1 are known to be pathogenic (PMID: 15879500). This variant is not present in population databases (gnomAD no frequency). Disruption of this splice site has been observed in individual(s) with hereditary hemorrhagic telangiectasia (PMID: 27291782). It has also been observed to segregate with disease in related individuals. ClinVar contains an entry for this variant (Variation ID: 1803109). Algorithms developed to predict the effect of sequence changes on RNA splicing suggest that this variant may disrupt the consensus splice site. For these reasons, this variant has been classified as Pathogenic.

Blueprint Genetics
Classification: Pathogenic for ACVRL1-related disorders. Last evaluated: 2024-10-08. Review status: criteria provided, single submitter. Criteria: ACMG Guidelines, 2015. Collection method: clinical testing. Allele origin: germline. Affected: yes. Observed: 3 variant alleles.

Ambry Genetics
Classification: Likely pathogenic for Cardiovascular phenotype. Last evaluated: 2023-01-03. Review status: criteria provided, single submitter. Criteria: Ambry Variant Classification Scheme 2023. Collection method: clinical testing. Allele origin: germline.
Comment: The c.625+1G>A intronic variant results from a G to A substitution one nucleotide after coding exon 4 of the ACVRL1 gene. This variant is considered to be rare based on population cohorts in the Genome Aggregation Database (gnomAD). This nucleotide position is highly conserved in available vertebrate species. In silico splice site analysis predicts that this alteration will weaken the native splice donor site and may result in the creation or strengthening of a novel splice donor site. Alterations that disrupt the canonical splice site are expected to cause aberrant splicing, resulting in an abnormal protein or a transcript that is subject to nonsense-mediated mRNA decay. As such, this alteration is classified as likely pathogenic.

Genetics and Molecular Pathology, SA Pathology
Classification: Likely pathogenic for Telangiectasia, hereditary hemorrhagic, type 2. Last evaluated: 2019-10-22. Review status: criteria provided, single submitter. Criteria: ACMG Guidelines, 2015. Collection method: clinical testing. Allele origin: germline. Affected: yes.
Comment: This variant is predicted to disrupt normal splicing at the donor site of exon 5 which is likely to be detrimental to the resulting protein. However, confirmation of splicing predictions can only be determined from RNA studies. Therefore, the variant is classified as likely pathogenic.

Literature cited by the submitters: PubMed 16199547 (cited by Labcorp Genetics (formerly Invitae), Labcorp); PubMed 15879500 (cited by Labcorp Genetics (formerly Invitae), Labcorp); PubMed 27291782 (cited by Labcorp Genetics (formerly Invitae), Labcorp).